The following is an entry in ClinVar:

NM_007294.4(BRCA1):c.5468-4C>T

Gene: BRCA1 (BRCA1 DNA repair associated; minus strand). Cytogenetic location: 17q21.31.
Variant type: single nucleotide variant.
Coding change: c.5468-4C>T on transcript NM_007294.4 (MANE Select); 4 bases into the intron before coding-DNA position 5468, C replaced by T.
Molecular consequence: intron variant.
Genome position (GRCh38, 1-based): chr17:43,045,806, G>A on the plus strand (C>T on the coding strand, the complement: BRCA1 is on the minus strand). VCF-style: chr17-43045806-G-A. GRCh37 (hg19) VCF-style: chr17-41197823-G-A.
Other names: c.2012-4C>T (NM_001408470.1, NM_001408469.1, NM_001408468.1); c.5321-4C>T (NM_001407848.1, NM_001407839.1, NM_001407842.1 and 12 more transcripts); c.5324-4C>T (NM_001407745.1, NM_001407737.1, NM_001407746.1 and 18 more transcripts); c.5204-4C>T (NM_001407922.1, NM_001407925.1, NM_001407921.1 and 4 more transcripts); c.2018-4C>T (NM_001408453.1, NM_001408455.1, NM_001408452.1 and 3 more transcripts); c.5327-4C>T (NM_001407728.1, NM_007297.4, NM_001407731.1 and 12 more transcripts); c.2015-4C>T (NM_001408461.1, NM_001408464.1, NM_001408467.1 and 7 more transcripts); c.5258-4C>T (NM_001407886.1, NM_001407881.1, NM_001407887.1 and 5 more transcripts); and 83 more.
Identifiers: ClinVar variation 868959 (VCV000868959.5), dbSNP rs763484977, ClinGen allele CA055141.

ClinVar aggregate classification (germline): Conflicting classifications of pathogenicity. Review status: criteria provided, conflicting classifications (1 of 4 stars). 2 submissions from 2 submitters: Uncertain significance (1); Likely benign (1). Last evaluated 2024-04-12.

Conditions:
Breast-ovarian cancer, familial, susceptibility to, 1 (BROVCA1). Also called: BRCA1 Hereditary Breast and Ovarian Cancer; OVARIAN CANCER, SUSCEPTIBILITY TO. Identifiers: Orphanet 145, MedGen C2676676, MONDO:0011450, OMIM 604370. Disease mechanism: loss of function.

Allele frequency attached by ClinVar (database versions not stated): gnomAD exomes 0.00001; ExAC 0.00002.
gnomAD v4.1: 8 of 1,614,064 alleles (0.0005%); highest among the groups gnomAD compares: South Asian, 0.0088%; 1 homozygote.

Submissions (3):

Lupski Lab, Baylor-Hopkins CMG, Baylor College of Medicine
Classification: Likely benign for Breast-ovarian cancer, familial, susceptibility to, 1. Last evaluated: 2024-04-12. Review status: criteria provided, single submitter. Criteria: Dawood et al. (medRxiv. 2024). Collection method: curation. Allele origin: germline.
Comment: Each variant was annotated with functional scores from MAVE data which was translated into functional evidence codes. All other evidence codes and combining criteria were adhered to as closely as possible based on the ClinGen VCEP (Variant Curation Expert Panel) gene-specific recommendations. See Supplemental Figure 34 of final paper (Supp Fig. 28 in preprint: doi:10.1101/2024.04.11.24305690) for a table to see which lines of evidence we did not have data for. The ClinGen VCEPs are highly regarded as the gold-standard for gene-specific variant curation and are developed after extensive evaluation of the evidence by clinical and scientific experts for the particular gene to classify genomic variants on a spectrum from pathogenic to benign using the 2015 ACMG/AMP Variant Interpretation Guidelines as a backbone (PMID: 25741868). Reclassification of these VUS variants from gnomAD or All of Us focused only on variants originally prescribed as VUS in ClinVar. To ensure reproducibility, transparency, and increased throughput, all the procedures for annotating variants and assigning evidence codes were codified using Python. All code has been made freely available and is linked in the Code Availability section and all reclassified variants with evidence codes used can be found in Tables S18-19 (preprint: doi:10.1101/2024.04.11.24305690). For the MAVE data, the clinical curation and clinical strength assignment as per the ClinGen recommendations in Brnich et al. (2020) (PMID: 31892348) for or against pathogenicity or benignity of each of these MAVE datasets utilized in this study were previously published in Fayer et al. (2021) (PMID: 34793697).In brief, for BRCA1 variants, if a variant was categorized as FUNC (functional), it was assigned BS3 evidence and no PS3 evidence, whereas if it was categorized as LOF (loss of function), the variant was assigned PS3 evidence and no BS3 evidence. Variants categorized as INT (intermediate) were left unannotated. For the BRCA1 combining criteria, greater than or equal to 1 criteria of strong benign evidence was enough to reclassify the VUS as Likely Benign. This variant GRCh37:17:41197823:G>A was assigned evidence codes ['BS3'] and an overall classification of Likely Benign

Quest Diagnostics Nichols Institute San Juan Capistrano
Classification: Uncertain significance. Last evaluated: 2021-06-28. Review status: criteria provided, single submitter. Criteria: Quest Diagnostics criteria. Collection method: clinical testing. Allele origin: unknown.

Brotman Baty Institute, University of Washington
No classification provided (evidence only). Condition: Breast-ovarian cancer, familial 1. Review status: no classification provided. Collection method: in vitro. Allele origin: not applicable. Functional consequence: functionally_normal. Not counted in ClinVar's aggregate classification.
ClinVar note: "not provided" was previously submitted as the classification for the variant. However, the classification appeared to be based only on an observation of functional data so it was converted to no classification on 2025-07-30.

Literature cited by the submitters: PubMed 39142283 (cited by Lupski Lab, Baylor-Hopkins CMG, Baylor College of Medicine); PubMed 34793697 (cited by Lupski Lab, Baylor-Hopkins CMG, Baylor College of Medicine); DOI 10.1101/2024.04.11.24305690 (cited by Lupski Lab, Baylor-Hopkins CMG, Baylor College of Medicine); PubMed 30209399 (cited by Quest Diagnostics Nichols Institute San Juan Capistrano).